The following is an entry in ClinVar:

NM_001308093.3(GATA4):c.612T>A (p.Asn204Lys)

Gene: GATA4 (GATA binding protein 4). Cytogenetic location: 8p23.1.
Variant type: single nucleotide variant.
Coding change: c.612T>A on transcript NM_001308093.3 (MANE Select); coding-DNA position 612, T replaced by A.
Protein change: p.Asn204Lys; replaces asparagine 204 with lysine.
Molecular consequence: missense variant. On other transcripts: intron variant (3).
Genome position (GRCh38, 1-based): chr8:11,708,924, T>A. VCF-style: chr8-11708924-T-A. GRCh37 (hg19) VCF-style: chr8-11566433-T-A.
Other names: c.612T>A, p.Asn204Lys (NM_002052.5); c.-6+8146T>A (NM_001308094.2); c.-3+910T>A (NM_001374274.1); c.-3+4620T>A (NM_001374273.1); short protein forms N204K.
Identifiers: ClinVar variation 1751790 (VCV001751790.2), dbSNP rs2486783174, ClinGen allele CA370309988.

ClinVar aggregate classification (germline): Uncertain significance (1 of 4 stars; one submission).

Conditions:
Cardiovascular phenotype. Identifiers: MedGen CN230736.

Submission:

Ambry Genetics
Classification: Uncertain significance for Cardiovascular phenotype. Last evaluated: 2022-04-23. Review status: criteria provided, single submitter. Criteria: Ambry Variant Classification Scheme 2023. Collection method: clinical testing. Allele origin: germline.
Comment: The p.N204K variant (also known as c.612T>A), located in coding exon 1 of the GATA4 gene, results from a T to A substitution at nucleotide position 612. The asparagine at codon 204 is replaced by lysine, an amino acid with similar properties. This amino acid position is conserved. In addition, the in silico prediction for this alteration is inconclusive. Since supporting evidence is limited at this time, the clinical significance of this alteration remains unclear.